The following is an entry in ClinVar:

ClinVar aggregate classification (germline): Uncertain significance (1 of 4 stars; one submission).

gnomAD v4.1: 20 of 1,613,874 alleles (0.0012%); highest among the groups gnomAD compares: Admixed American, 0.0033%; no homozygotes.

Submission:

Labcorp Genetics (formerly Invitae), Labcorp
Classification: Uncertain significance. Last evaluated: 2025-01-29. Review status: criteria provided, single submitter. Criteria: Invitae Variant Classification Sherloc (09022015). Collection method: clinical testing. Allele origin: germline.
Comment: This sequence change affects codon 2618 of the DNAH9 mRNA. It is a 'silent' change, meaning that it does not change the encoded amino acid sequence of the DNAH9 protein. This variant is present in population databases (rs778139255, gnomAD 0.003%). This variant has not been reported in the literature in individuals affected with DNAH9-related conditions. Algorithms developed to predict the effect of sequence changes on RNA splicing suggest that this variant may disrupt the consensus splice site. In summary, the available evidence is currently insufficient to determine the role of this variant in disease. Therefore, it has been classified as a Variant of Uncertain Significance.

NM_001372.4(DNAH9):c.7854G>A (p.Pro2618=)

Gene: DNAH9 (dynein axonemal heavy chain 9; plus strand). Cytogenetic location: 17p12.
Variant type: single nucleotide variant.
Coding change: c.7854G>A on transcript NM_001372.4 (MANE Select); coding-DNA position 7854, G replaced by A.
Protein change: p.Pro2618=; no amino-acid change (proline 2618 retained).
Molecular consequence: synonymous variant.
Genome position (GRCh38, 1-based): chr17:11,784,332, G>A. VCF-style: chr17-11784332-G-A. GRCh37 (hg19) VCF-style: chr17-11687649-G-A.
Identifiers: ClinVar variation 3705744 (VCV003705744.2).